The following is an entry in ClinVar:

ClinVar aggregate classification (germline): Benign (1 of 4 stars; one submission).

Allele frequency attached by ClinVar (database versions not stated): gnomAD exomes 0.00333 and 0.00889; ExAC 0.01096; gnomAD 0.03442 and 0.03692; TOPMed 0.03854; ESP Exome Variant Server 0.03970; 1000 Genomes Project 0.04493; 1000 Genomes Project 30x 0.04809.

Submission:

GeneDx
Classification: Benign. Last evaluated: 2018-06-14. Review status: criteria provided, single submitter. Criteria: GeneDx Variant Classification (06012015). Collection method: clinical testing. Allele origin: germline. Affected: yes.
Comment: This variant is considered likely benign or benign based on one or more of the following criteria: it is a conservative change, it occurs at a poorly conserved position in the protein, it is predicted to be benign by multiple in silico algorithms, and/or has population frequency not consistent with disease.

NM_000432.4(MYL2):c.353+47del

Gene: MYL2 (myosin light chain 2; minus strand). Cytogenetic location: 12q24.11.
Variant type: Deletion.
Coding change: c.353+47del on transcript NM_000432.4 (MANE Select); 47 bases into the intron after coding-DNA position 353, one base deleted (T; older notation c.353+47delT).
Molecular consequence: intron variant.
Genome position (GRCh38, 1-based): chr12:110,913,199, A deleted on the plus strand (T on the coding strand, the reverse complement: MYL2 is on the minus strand). VCF-style (leftmost placement, unchanged base first): chr12-110913198-CA-C. GRCh37 (hg19) VCF-style: chr12-111351002-CA-C.
Other names: c.353+47delT (NM_000432.3).
Identifiers: ClinVar variation 673557 (VCV000673557.1), dbSNP rs369884745, ClinGen allele CA6788111.